The following is an entry in ClinVar:

ClinVar aggregate classification (germline): Uncertain significance (1 of 4 stars; one submission).

Allele frequency attached by ClinVar (database versions not stated): ExAC 0.00001.
gnomAD v4.1: 4 of 1,613,652 alleles (0.00025%); highest among the groups gnomAD compares: Admixed American, 0.0017%; no homozygotes.

Submission:

Labcorp Genetics (formerly Invitae), Labcorp
Classification: Uncertain significance. Last evaluated: 2024-02-24. Review status: criteria provided, single submitter. Criteria: Invitae Variant Classification Sherloc (09022015). Collection method: clinical testing. Allele origin: germline.
Comment: This sequence change replaces serine, which is neutral and polar, with leucine, which is neutral and non-polar, at codon 1217 of the RIMS1 protein (p.Ser1217Leu). This variant is present in population databases (rs750847073, gnomAD 0.003%). This variant has not been reported in the literature in individuals affected with RIMS1-related conditions. ClinVar contains an entry for this variant (Variation ID: 1927519). An algorithm developed to predict the effect of missense changes on protein structure and function (PolyPhen-2) suggests that this variant is likely to be tolerated. Algorithms developed to predict the effect of sequence changes on RNA splicing suggest that this variant may disrupt the consensus splice site. In summary, the available evidence is currently insufficient to determine the role of this variant in disease. Therefore, it has been classified as a Variant of Uncertain Significance.

NM_014989.7(RIMS1):c.3650C>T (p.Ser1217Leu)

Gene: RIMS1 (regulating synaptic membrane exocytosis 1; plus strand). Cytogenetic location: 6q13.
Variant type: single nucleotide variant.
Coding change: c.3650C>T on transcript NM_014989.7 (MANE Select); coding-DNA position 3650, C replaced by T.
Protein change: p.Ser1217Leu; replaces serine 1217 with leucine.
Molecular consequence: missense variant. On other transcripts: intron variant (56).
Genome position (GRCh38, 1-based): chr6:72,290,774, C>T. VCF-style: chr6-72290774-C-T. GRCh37 (hg19) VCF-style: chr6-73000477-C-T.
Other names: c.1724C>T, p.Ser575Leu (NM_001350420.2); c.1701-1160C>T (NM_001350417.2, NM_001350416.2, NM_001350448.2); c.1629-1160C>T (NM_001350414.2, NM_001350430.2, NM_001350439.2 and 2 more transcripts); c.1796C>T, p.Ser599Leu (NM_001350442.2, NM_001350446.2); c.1793C>T, p.Ser598Leu (NM_001350456.2, NM_001350438.2); c.1655C>T, p.Ser552Leu (NM_001350462.2); c.1632-1160C>T (NM_001350428.2); c.1560-1160C>T (NM_001350459.2, NM_001350424.2); and 31 more; short protein forms S575L, S552L, S598L, S599L, S1217L, S569L.
Identifiers: ClinVar variation 1927519 (VCV001927519.5), dbSNP rs750847073, ClinGen allele CA3886310.